The following is an entry in ClinVar:

NM_000179.3(MSH6):c.318G>T (p.Trp106Cys)

Gene: MSH6 (mutS homolog 6; plus strand). Cytogenetic location: 2p16.3.
Variant type: single nucleotide variant.
Coding change: c.318G>T on transcript NM_000179.3 (MANE Select); coding-DNA position 318, G replaced by T.
Protein change: p.Trp106Cys; replaces tryptophan 106 with cysteine.
Molecular consequence: missense variant. On other transcripts: 5 prime UTR variant (2), intron variant (1).
Genome position (GRCh38, 1-based): chr2:47,790,984, G>T. VCF-style: chr2-47790984-G-T. GRCh37 (hg19) VCF-style: chr2-48018123-G-T.
Other names: c.-419G>T (NM_001281493.2); c.-585G>T (NM_001281494.2); c.237+7514G>T (NM_001281492.2); short protein forms W106C.
Identifiers: ClinVar variation 663964 (VCV000663964.12), dbSNP rs1572708652, ClinGen allele CA346736914.

ClinVar aggregate classification (germline): Uncertain significance. Review status: criteria provided, multiple submitters, no conflicts (2 of 4 stars). 2 submissions from 2 submitters: Uncertain significance (2). Last evaluated 2026-08-20.

Conditions:
Hereditary cancer-predisposing syndrome. Also called: Neoplastic Syndromes, Hereditary; Hereditary Cancer Syndrome; Hereditary neoplastic syndrome; Tumor predisposition. Identifiers: Orphanet 140162, MedGen C0027672, MeSH D009386, MONDO:0015356.
Hereditary nonpolyposis colorectal neoplasms. Identifiers: MedGen C0009405, MeSH D003123.

Submissions (2):

Ambry Genetics
Classification: Uncertain significance for Hereditary cancer-predisposing syndrome. Last evaluated: 2026-08-20. Review status: criteria provided, single submitter. Criteria: Ambry Variant Classification Scheme 2023. Collection method: clinical testing. Allele origin: germline.
Comment: The p.W106C variant (also known as c.318G>T), located in coding exon 2 of the MSH6 gene, results from a G to T substitution at nucleotide position 318. The tryptophan at codon 106 is replaced by cysteine, an amino acid with highly dissimilar properties. This amino acid position is highly conserved in available vertebrate species. In addition, this alteration is predicted to be deleterious by in silico analysis. Based on the available evidence, the clinical significance of this variant remains unclear.

Labcorp Genetics (formerly Invitae), Labcorp
Classification: Uncertain significance for Hereditary nonpolyposis colorectal neoplasms. Last evaluated: 2018-08-12. Review status: criteria provided, single submitter. Criteria: Invitae Variant Classification Sherloc (09022015). Collection method: clinical testing. Allele origin: germline.
Comment: This sequence change replaces tryptophan with cysteine at codon 106 of the MSH6 protein (p.Trp106Cys). The tryptophan residue is highly conserved and there is a large physicochemical difference between tryptophan and cysteine. This variant is not present in population databases (ExAC no frequency). This variant has not been reported in the literature in individuals with MSH6-related disease. Algorithms developed to predict the effect of missense changes on protein structure and function (SIFT, PolyPhen-2, Align-GVGD) all suggest that this variant is likely to be disruptive, but these predictions have not been confirmed by published functional studies and their clinical significance is uncertain. In summary, the available evidence is currently insufficient to determine the role of this variant in disease. Therefore, it has been classified as a Variant of Uncertain Significance.